The following is an entry in ClinVar:

ClinVar aggregate classification (germline): Conflicting classifications of pathogenicity. Review status: criteria provided, conflicting classifications (1 of 4 stars). 3 submissions from 3 submitters: Uncertain significance (2); Likely benign (1). Last evaluated 2026-04-29.

Conditions:
Sucrase-isomaltase deficiency (CSID). Also called: Congenital sucrose isomaltose malabsorption; Sucrose isomaltose enzyme deficiency; Deficiency of isomaltase; SI DEFICIENCY. Identifiers: Orphanet 35122, MedGen C1283620, MONDO:0009114, OMIM 222900.

Allele frequency attached by ClinVar (database versions not stated): gnomAD 0.00006 and 0.00008; gnomAD exomes 0.00004 and 0.00017; ExAC 0.00015; 1000 Genomes Project 0.00020; 1000 Genomes Project 30x 0.00031; TOPMed 0.00011.
gnomAD v4.1: 78 of 1,612,580 alleles (0.0048%); highest among the groups gnomAD compares: East Asian, 0.12%; no homozygotes.

Submissions (3):

GeneDx
Classification: Uncertain significance. Last evaluated: 2026-04-29. Review status: criteria provided, single submitter. Criteria: GeneDx Variant Classification Process June 2021. Collection method: clinical testing. Allele origin: germline.
Comment: In silico analysis supports that this missense variant has a deleterious effect on protein structure/function; Has not been previously published as pathogenic or benign to our knowledge

Labcorp Genetics (formerly Invitae), Labcorp
Classification: Likely benign. Last evaluated: 2026-01-27. Review status: criteria provided, single submitter. Criteria: Invitae Variant Classification Sherloc (09022015). Collection method: clinical testing. Allele origin: germline.

Fulgent Genetics
Classification: Uncertain significance for Sucrase-isomaltase deficiency. Last evaluated: 2024-03-19. Review status: criteria provided, single submitter. Criteria: ACMG Guidelines, 2015. Collection method: clinical testing. Allele origin: germline.

NM_001041.4(SI):c.1219G>A (p.Gly407Arg)

Gene: SI (sucrase-isomaltase; minus strand). Cytogenetic location: 3q26.1.
Variant type: single nucleotide variant.
Coding change: c.1219G>A on transcript NM_001041.4 (MANE Select); coding-DNA position 1219, G replaced by A.
Protein change: p.Gly407Arg; replaces glycine 407 with arginine.
Molecular consequence: missense variant.
Genome position (GRCh38, 1-based): chr3:165,059,227, C>T on the plus strand (G>A on the coding strand, the complement: SI is on the minus strand). VCF-style: chr3-165059227-C-T. GRCh37 (hg19) VCF-style: chr3-164777015-C-T.
Other names: c.1219G>A (NM_001041.3); short protein forms G407R.
Identifiers: ClinVar variation 1529728 (VCV001529728.11), dbSNP rs559599846, ClinGen allele CA2691138.